The following is an entry in ClinVar:

NC_000017.10:g.(?_39923611)_(39928106_?)dup

Gene: JUP (junction plakoglobin; minus strand). Cytogenetic location: 17q21.2.
Variant type: Duplication.
Identifiers: ClinVar variation 3243062 (VCV003243062.1).

ClinVar aggregate classification (germline): Uncertain significance (1 of 4 stars; one submission).

Conditions:
Naxos disease (NXD). Also called: KERATOSIS PALMOPLANTARIS WITH ARRHYTHMOGENIC CARDIOMYOPATHY; MAL DE NAXOS; PALMOPLANTAR KERATODERMA WITH ARRHYTHMOGENIC RIGHT VENTRICULAR CARDIOMYOPATHY AND WOOLLY HAIR; WOOLLY HAIR, PALMOPLANTAR KERATODERMA, AND CARDIAC ABNORMALITIES; CARDIOMYOPATHY, ARRHYTHMOGENIC RIGHT VENTRICULAR, WITH SKIN, HAIR, AND NAIL ABNORMALITIES. Identifiers: Orphanet 34217, MedGen C1832600, MONDO:0011017, OMIM 601214.
Arrhythmogenic right ventricular dysplasia 12. Also called: ARRHYTHMOGENIC RIGHT VENTRICULAR DYSPLASIA, FAMILIAL, 12. Identifiers: MedGen C1969081, MONDO:0012684, OMIM 611528.

Submission:

Labcorp Genetics (formerly Invitae), Labcorp
Classification: Uncertain significance for Arrhythmogenic right ventricular dysplasia 12; Naxos disease. Last evaluated: 2022-10-29. Review status: criteria provided, single submitter. Criteria: Invitae Variant Classification Sherloc (09022015). Collection method: clinical testing. Allele origin: unknown.
Comment: In summary, the available evidence is currently insufficient to determine the role of this variant in disease. Therefore, it has been classified as a Variant of Uncertain Significance. This variant has not been reported in the literature in individuals affected with JUP-related conditions. This variant results in a copy number gain of the genomic region encompassing exon(s) 2-5 of the JUP gene. This region includes the initiator codon of the gene. This copy number gain extends beyond the assayed region for this gene and therefore may encompass additional genes. As the precise location of this event is unknown, it may be in tandem or it may be located elsewhere in the genome.